The following is an entry in ClinVar:

NM_001278512.2(AP3B2):c.3247G>A (p.Glu1083Lys)

Genes: AP3B2 (adaptor related protein complex 3 subunit beta 2; minus strand), CPEB1-AS1 (CPEB1 antisense RNA 1; plus strand). Cytogenetic location: 15q25.2.
Variant type: single nucleotide variant.
Coding change: c.3247G>A on transcript NM_001278512.2 (MANE Select); coding-DNA position 3247, G replaced by A.
Protein change: p.Glu1083Lys; replaces glutamic acid 1083 with lysine.
Molecular consequence: missense variant.
Genome position (GRCh38, 1-based): chr15:82,659,619, C>T on the plus strand (G>A on the coding strand, the complement: AP3B2 is on the minus strand). VCF-style: chr15-82659619-C-T. GRCh37 (hg19) VCF-style: chr15-83328371-C-T.
Other names: c.3094G>A, p.Glu1032Lys (NM_001278511.2); c.379G>A, p.Glu127Lys (NM_001348441.2); c.3190G>A, p.Glu1064Lys (NM_004644.5); short protein forms E1064K, E127K, E1083K, E1032K.
Identifiers: ClinVar variation 1399012 (VCV001399012.5), dbSNP rs899360874, ClinGen allele CA273478470.

ClinVar aggregate classification (germline): Uncertain significance (1 of 4 stars; one submission).

Allele frequency attached by ClinVar (database versions not stated): gnomAD exomes below 0.00001; gnomAD 0.00001; TOPMed 0.00002.
gnomAD v4.1: 32 of 1,613,856 alleles (0.002%); highest among the groups gnomAD compares: Non-Finnish European, 0.0025%; no homozygotes.

Submission:

Labcorp Genetics (formerly Invitae), Labcorp
Classification: Uncertain significance. Last evaluated: 2022-06-30. Review status: criteria provided, single submitter. Criteria: Invitae Variant Classification Sherloc (09022015). Collection method: clinical testing. Allele origin: germline.
Comment: This sequence change replaces glutamic acid, which is acidic and polar, with lysine, which is basic and polar, at codon 1064 of the AP3B2 protein (p.Glu1064Lys). This variant is present in population databases (no rsID available, gnomAD 0.004%). This variant has not been reported in the literature in individuals affected with AP3B2-related conditions. ClinVar contains an entry for this variant (Variation ID: 1399012). Algorithms developed to predict the effect of missense changes on protein structure and function are either unavailable or do not agree on the potential impact of this missense change (SIFT: "Deleterious"; PolyPhen-2: "Benign"; Align-GVGD: "Class C0"). In summary, the available evidence is currently insufficient to determine the role of this variant in disease. Therefore, it has been classified as a Variant of Uncertain Significance.